The following is an entry in ClinVar:

NM_000059.4(BRCA2):c.3563T>C (p.Ile1188Thr)

Gene: BRCA2 (BRCA2 DNA repair associated; plus strand). Cytogenetic location: 13q13.1.
Variant type: single nucleotide variant.
Coding change: c.3563T>C on transcript NM_000059.4 (MANE Select); coding-DNA position 3563, T replaced by C.
Protein change: p.Ile1188Thr; replaces isoleucine 1188 with threonine.
Molecular consequence: missense variant.
Genome position (GRCh38, 1-based): chr13:32,337,918, T>C. VCF-style: chr13-32337918-T-C. GRCh37 (hg19) VCF-style: chr13-32912055-T-C.
Other names: c.3563T>C (NM_000059.3); short protein forms I1188T.
Identifiers: ClinVar variation 1519341 (VCV001519341.10), dbSNP rs2137497887, ClinGen allele CA387777295.

ClinVar aggregate classification (germline): Conflicting classifications of pathogenicity. Review status: criteria provided, conflicting classifications (1 of 4 stars). 3 submissions from 3 submitters: Uncertain significance (2); Likely benign (1). Last evaluated 2024-06-20.

Conditions:
Hereditary cancer-predisposing syndrome. Also called: Hereditary neoplastic syndrome; Hereditary Cancer Syndrome; Tumor predisposition; Neoplastic Syndromes, Hereditary. Identifiers: Orphanet 140162, MedGen C0027672, MeSH D009386, MONDO:0015356.
Hereditary breast ovarian cancer syndrome. Also called: Hereditary breast and ovarian cancer syndrome; Hereditary breast and/or ovarian cancer syndrome; BRCA1- and BRCA2-Associated Hereditary Breast and Ovarian Cancer; Hereditary breast and ovarian cancer syndrome (HBOC); Breast and ovarian cancer; Hereditary breast and ovarian cancer. Identifiers: Orphanet 145, MedGen C0677776, MeSH D061325, MONDO:0003582. Disease mechanism: loss of function.

Submissions (3):

Ambry Genetics
Classification: Uncertain significance for Hereditary cancer-predisposing syndrome. Last evaluated: 2024-06-20. Review status: criteria provided, single submitter. Criteria: Ambry Variant Classification Scheme 2023. Collection method: clinical testing. Allele origin: germline.
Comment: The p.I1188T variant (also known as c.3563T>C), located in coding exon 10 of the BRCA2 gene, results from a T to C substitution at nucleotide position 3563. The isoleucine at codon 1188 is replaced by threonine, an amino acid with similar properties. This amino acid position is conserved. In addition, this alteration is predicted to be tolerated by in silico analysis. Based on the available evidence, the clinical significance of this variant remains unclear.

University of Washington Department of Laboratory Medicine, University of Washington
Classification: Likely benign for Hereditary cancer-predisposing syndrome. Last evaluated: 2023-03-23. Review status: criteria provided, single submitter. Criteria: Dines et al. (Genet Med. 2020). Collection method: curation. Allele origin: germline.
Comment: Missense variant in a coldspot region where missense variants are very unlikely to be pathogenic (PMID:31911673).

BRCA2 exon 11 coldspot. Reclassification based on statistical prior probability.

Labcorp Genetics (formerly Invitae), Labcorp
Classification: Uncertain significance for Hereditary breast ovarian cancer syndrome. Last evaluated: 2021-03-31. Review status: criteria provided, single submitter. Criteria: Invitae Variant Classification Sherloc (09022015). Collection method: clinical testing. Allele origin: germline.
Comment: This variant has not been reported in the literature in individuals with BRCA2-related conditions. This sequence change replaces isoleucine with threonine at codon 1188 of the BRCA2 protein (p.Ile1188Thr). The isoleucine residue is weakly conserved and there is a moderate physicochemical difference between isoleucine and threonine. This variant is not present in population databases (ExAC no frequency). Advanced modeling of protein sequence and biophysical properties (such as structural, functional, and spatial information, amino acid conservation, physicochemical variation, residue mobility, and thermodynamic stability) performed at Invitae indicates that this missense variant is not expected to disrupt BRCA2 protein function. In summary, the available evidence is currently insufficient to determine the role of this variant in disease. Therefore, it has been classified as a Variant of Uncertain Significance.